The following is an entry in ClinVar:

NM_004415.4(DSP):c.2107A>G (p.Thr703Ala)

Gene: DSP (desmoplakin; plus strand). Cytogenetic location: 6p24.3.
Variant type: single nucleotide variant.
Coding change: c.2107A>G on transcript NM_004415.4 (MANE Select); coding-DNA position 2107, A replaced by G.
Protein change: p.Thr703Ala; replaces threonine 703 with alanine.
Molecular consequence: missense variant.
Genome position (GRCh38, 1-based): chr6:7,572,045, A>G. VCF-style: chr6-7572045-A-G. GRCh37 (hg19) VCF-style: chr6-7572278-A-G.
Other names: c.2107A>G, p.Thr703Ala (NM_001008844.3, NM_001319034.2); c.2107A>G (NM_004415.3); short protein forms T703A.
Identifiers: ClinVar variation 2057906 (VCV002057906.5), dbSNP rs929503652, ClinGen allele CA133960491.

ClinVar aggregate classification (germline): Uncertain significance. Review status: criteria provided, multiple submitters, no conflicts (2 of 4 stars). 2 submissions from 2 submitters: Uncertain significance (2). Last evaluated 2025-02-17.

Conditions:
Arrhythmogenic cardiomyopathy with wooly hair and keratoderma. Also called: Arrhythmogenic cardiomyopathy with woolly hair and keratoderma; PALMOPLANTAR KERATODERMA WITH LEFT VENTRICULAR CARDIOMYOPATHY AND WOOLLY HAIR; Carvajal syndrome; Dilated cardiomyopathy with woolly hair and keratoderma. Identifiers: Orphanet 65282, MedGen C1854063, MONDO:0011581, OMIM 605676.
Arrhythmogenic right ventricular dysplasia 8 (ARVD8). Also called: ARRHYTHMOGENIC RIGHT VENTRICULAR DYSPLASIA, FAMILIAL, 8; ARRHYTHMOGENIC RIGHT VENTRICULAR CARDIOMYOPATHY 8; Arrhythmogenic Right Ventricular Dysplasia/Cardiomyopathy 8. Identifiers: MedGen C1843896, MONDO:0011831, OMIM 607450.
Cardiovascular phenotype. Identifiers: MedGen CN230736.

Allele frequency attached by ClinVar (database versions not stated): TOPMed 0.00001.

Submissions (2):

Molecular Diagnostic Laboratory for Inherited Cardiovascular Disease, Montreal Heart Institute
Classification: Uncertain significance for Cardiovascular phenotype. Last evaluated: 2025-02-17. Review status: criteria provided, single submitter. Criteria: ACMG Guidelines, 2015. Collection method: clinical testing. Allele origin: germline. Affected: yes.

Labcorp Genetics (formerly Invitae), Labcorp
Classification: Uncertain significance for Arrhythmogenic cardiomyopathy with wooly hair and keratoderma; Arrhythmogenic right ventricular dysplasia 8. Last evaluated: 2021-12-24. Review status: criteria provided, single submitter. Criteria: Invitae Variant Classification Sherloc (09022015). Collection method: clinical testing. Allele origin: germline.
Comment: This sequence change replaces threonine, which is neutral and polar, with alanine, which is neutral and non-polar, at codon 703 of the DSP protein (p.Thr703Ala). This variant is not present in population databases (gnomAD no frequency). This variant has not been reported in the literature in individuals affected with DSP-related conditions. Algorithms developed to predict the effect of missense changes on protein structure and function (SIFT, PolyPhen-2, Align-GVGD) all suggest that this variant is likely to be tolerated. In summary, the available evidence is currently insufficient to determine the role of this variant in disease. Therefore, it has been classified as a Variant of Uncertain Significance.